The following is an entry in ClinVar:

ClinVar aggregate classification (germline): Uncertain significance (1 of 4 stars; one submission).

Conditions:
Neurofibromatosis, type 1 (NF1). Also called: VON RECKLINGHAUSEN DISEASE; Peripheral type neurofibromatosis; Neurofibromatosis, type I; NEUROFIBROMATOSIS, TYPE I, SOMATIC. Identifiers: Orphanet 636, MedGen C0027831, MONDO:0018975, OMIM 162200. Disease mechanism: loss of function.

Submission:

Labcorp Genetics (formerly Invitae), Labcorp
Classification: Uncertain significance for Neurofibromatosis, type 1. Last evaluated: 2022-12-21. Review status: criteria provided, single submitter. Criteria: Invitae Variant Classification Sherloc (09022015). Collection method: clinical testing. Allele origin: germline.
Comment: Advanced modeling of protein sequence and biophysical properties (such as structural, functional, and spatial information, amino acid conservation, physicochemical variation, residue mobility, and thermodynamic stability) performed at Invitae indicates that this missense variant is expected to disrupt NF1 protein function. This variant has not been reported in the literature in individuals affected with NF1-related conditions. This variant is not present in population databases (gnomAD no frequency). This sequence change replaces cysteine, which is neutral and slightly polar, with serine, which is neutral and polar, at codon 383 of the NF1 protein (p.Cys383Ser). In summary, the available evidence is currently insufficient to determine the role of this variant in disease. Therefore, it has been classified as a Variant of Uncertain Significance.

NM_001042492.3(NF1):c.1147T>A (p.Cys383Ser)

Gene: NF1 (neurofibromin 1; plus strand). Cytogenetic location: 17q11.2.
Variant type: single nucleotide variant.
Coding change: c.1147T>A on transcript NM_001042492.3 (MANE Select); coding-DNA position 1147, T replaced by A.
Protein change: p.Cys383Ser; replaces cysteine 383 with serine.
Molecular consequence: missense variant.
Genome position (GRCh38, 1-based): chr17:31,201,121, T>A. VCF-style: chr17-31201121-T-A. GRCh37 (hg19) VCF-style: chr17-29528139-T-A.
Other names: c.1147T>A, p.Cys383Ser (NM_000267.4, NM_001128147.3); short protein forms C383S.
Identifiers: ClinVar variation 2822846 (VCV002822846.3), dbSNP rs2544797268, ClinGen allele CA398997109.